The following is an entry in ClinVar:

ClinVar aggregate classification (germline): Uncertain significance (1 of 4 stars; one submission).

Conditions:
PPARG-related disorder. Also called: PPARG-related condition; PPARG-related disorders.

Submission:

PreventionGenetics, part of Exact Sciences
Classification: Uncertain significance for PPARG-related condition. Last evaluated: 2025-12-16. Review status: criteria provided, single submitter. Criteria: ACMG Guidelines, 2015. Collection method: clinical testing. Allele origin: germline.
Comment: The PPARG c.1109C>T variant is predicted to result in the amino acid substitution p.Ser370Phe. To our knowledge, this variant has not been reported in the literature. This variant is reported in 0.011% of alleles in individuals of African descent in gnomAD. At this time, the clinical significance of this variant is uncertain due to the absence of conclusive functional and genetic evidence.

NM_138711.6(PPARG):c.1019C>T (p.Ser340Phe)

Gene: PPARG (peroxisome proliferator activated receptor gamma; plus strand). Cytogenetic location: 3p25.2.
Variant type: single nucleotide variant.
Coding change: c.1019C>T on transcript NM_138711.6 (MANE Select); coding-DNA position 1019, C replaced by T.
Protein change: p.Ser340Phe; replaces serine 340 with phenylalanine.
Molecular consequence: missense variant. On other transcripts: intron variant (5).
Genome position (GRCh38, 1-based): chr3:12,416,993, C>T. VCF-style: chr3-12416993-C-T. GRCh37 (hg19) VCF-style: chr3-12458492-C-T.
Other names: c.1019C>T, p.Ser340Phe (NM_001354666.3, NM_001354667.3, NM_001374263.2 and 3 more transcripts); c.392C>T, p.Ser131Phe (NM_001354669.2); c.1109C>T, p.Ser370Phe (NM_015869.5); c.729+10912C>T (NM_001374261.3, NM_001374262.3, NM_001330615.4); c.653+10994C>T (NM_001374266.1); c.819+10912C>T (NM_001374265.1); short protein forms S340F, S131F, S370F.
Identifiers: ClinVar variation 4980473 (VCV004980473.1).